The following is an entry in ClinVar:

NM_004826.4(ECEL1):c.1862G>A (p.Trp621Ter)

Gene: ECEL1 (endothelin converting enzyme like 1; minus strand). Cytogenetic location: 2q37.1.
Variant type: single nucleotide variant.
Coding change: c.1862G>A on transcript NM_004826.4 (MANE Select); coding-DNA position 1862, G replaced by A.
Protein change: p.Trp621Ter; replaces tryptophan 621 with a stop codon.
Molecular consequence: nonsense.
Genome position (GRCh38, 1-based): chr2:232,481,784, C>T on the plus strand (G>A on the coding strand, the complement: ECEL1 is on the minus strand). VCF-style: chr2-232481784-C-T. GRCh37 (hg19) VCF-style: chr2-233346494-C-T.
Other names: c.1856G>A, p.Trp619Ter (NM_001290787.2); short protein forms W619*, W621*.
Identifiers: ClinVar variation 3367204 (VCV003367204.1).

ClinVar aggregate classification (germline): Likely pathogenic (1 of 4 stars; one submission).

Conditions:
Distal arthrogryposis type 5D (DA5D). Identifiers: Orphanet 329457, MedGen C3554415, MONDO:0014028, OMIM 615065.

Submission:

Suma Genomics
Classification: Likely pathogenic for Distal arthrogryposis type 5D. Review status: criteria provided, single submitter. Criteria: ACMG Guidelines, 2015. Collection method: clinical testing. Allele origin: germline. Inheritance: Autosomal recessive inheritance. Affected: yes. Observed: 1 compound heterozygote.
Comment: Stop-gain variant c.1862G>A, p.(Trp621Ter) is observed in exon 11 of ECEL1. This variant is not observed in the gnomAD database. ACMG classification: Likely pathogenic ACMG criteria: PVS1 and PM2_Supporting